The following is an entry in ClinVar:

NM_001009944.3(PKD1):c.11270-19G>A

Genes: PKD1 (polycystin 1, transient receptor potential channel interacting; minus strand), PKD1-AS1 (PKD1 antisense RNA 1; plus strand). Cytogenetic location: 16p13.3.
Variant type: single nucleotide variant.
Coding change: c.11270-19G>A on transcript NM_001009944.3 (MANE Select); 19 bases into the intron before coding-DNA position 11270, G replaced by A.
Molecular consequence: intron variant.
Genome position (GRCh38, 1-based): chr16:2,092,207, C>T on the plus strand (G>A on the coding strand, the complement: PKD1 is on the minus strand). VCF-style: chr16-2092207-C-T. GRCh37 (hg19) VCF-style: chr16-2142208-C-T.
Other names: c.11267-19G>A (NM_000296.4).
Identifiers: ClinVar variation 4532213 (VCV004532213.1).

ClinVar aggregate classification (germline): Uncertain significance (1 of 4 stars; one submission).

Conditions:
Polycystic kidney disease, adult type (PKD1). Also called: Polycystic Kidney, Autosomal Dominant; POLYCYSTIC KIDNEY DISEASE, ADULT, TYPE I; Polycystic Kidney Disease 1, Autosomal Dominant; Polycystic kidney disease 1; Polycystic kidney disease 1, severe; POLYCYSTIC KIDNEY DISEASE 1 WITH OR WITHOUT POLYCYSTIC LIVER DISEASE. Identifiers: MedGen C3149841, MONDO:0008263, OMIM 173900.

Submission:

MVZ Medizinische Genetik Mainz
Classification: Uncertain significance for Polycystic kidney disease, adult type. Last evaluated: 2025-10-17. Review status: criteria provided, single submitter. Criteria: UK Practice Guidelines For Variant Classification V4 01 2020. Collection method: clinical testing. Allele origin: germline. Inheritance: Autosomal dominant inheritance. Affected: yes. Observed: 1 variant allele.
Comment: ACMG Criteria: PM2_SUP,PP3,PP4